The following is an entry in ClinVar:

NM_198576.4(AGRN):c.1178A>G (p.Asp393Gly)

Gene: AGRN (agrin; plus strand). Cytogenetic location: 1p36.33.
Variant type: single nucleotide variant.
Coding change: c.1178A>G on transcript NM_198576.4 (MANE Select); coding-DNA position 1178, A replaced by G.
Protein change: p.Asp393Gly; replaces aspartic acid 393 with glycine.
Molecular consequence: missense variant.
Genome position (GRCh38, 1-based): chr1:1,041,956, A>G. VCF-style: chr1-1041956-A-G. GRCh37 (hg19) VCF-style: chr1-977336-A-G.
Other names: c.1178A>G, p.Asp393Gly (NM_001305275.2); c.863A>G, p.Asp288Gly (NM_001364727.2); short protein forms D288G, D393G.
Identifiers: ClinVar variation 1027358 (VCV001027358.8), dbSNP rs1251468066, ClinGen allele CA337827518.

ClinVar aggregate classification (germline): Uncertain significance (1 of 4 stars; one submission).

Conditions:
Congenital myasthenic syndrome 8. Also called: Myasthenic syndrome, congenital, 8, with pre- and postsynaptic defects; MYASTHENIC SYNDROME, CONGENITAL, DUE TO AGRIN DEFICIENCY. Identifiers: Orphanet 590, MedGen C3808739, MONDO:0014052, OMIM 615120.

Allele frequency attached by ClinVar (database versions not stated): TOPMed below 0.00001; gnomAD exomes 0.00001.

Submission:

Labcorp Genetics (formerly Invitae), Labcorp
Classification: Uncertain significance for Congenital myasthenic syndrome 8. Last evaluated: 2025-06-03. Review status: criteria provided, single submitter. Criteria: Invitae Variant Classification Sherloc (09022015). Collection method: clinical testing. Allele origin: germline.
Comment: This sequence change replaces aspartic acid, which is acidic and polar, with glycine, which is neutral and non-polar, at codon 393 of the AGRN protein (p.Asp393Gly). This variant is present in population databases (no rsID available, gnomAD 0.009%). This variant has not been reported in the literature in individuals affected with AGRN-related conditions. ClinVar contains an entry for this variant (Variation ID: 1027358). An algorithm developed to predict the effect of missense changes on protein structure and function (PolyPhen-2) suggests that this variant is likely to be disruptive. In summary, the available evidence is currently insufficient to determine the role of this variant in disease. Therefore, it has been classified as a Variant of Uncertain Significance.